The following is an entry in ClinVar:

NM_000313.4(PROS1):c.268C>T (p.Arg90Cys)

Gene: PROS1 (protein S; minus strand). Cytogenetic location: 3q11.1.
Variant type: single nucleotide variant.
Coding change: c.268C>T on transcript NM_000313.4 (MANE Select); coding-DNA position 268, C replaced by T.
Protein change: p.Arg90Cys; replaces arginine 90 with cysteine.
Molecular consequence: missense variant.
Genome position (GRCh38, 1-based): chr3:93,910,697, G>A on the plus strand (C>T on the coding strand, the complement: PROS1 is on the minus strand). VCF-style: chr3-93910697-G-A. GRCh37 (hg19) VCF-style: chr3-93629541-G-A.
Other names: c.364C>T, p.Arg122Cys (NM_001314077.2); short protein forms R90C, R122C.
Identifiers: ClinVar variation 2734551 (VCV002734551.5), dbSNP rs765935815, ClinGen allele CA2503527.

ClinVar aggregate classification (germline): Uncertain significance. Review status: criteria provided, multiple submitters, no conflicts (2 of 4 stars). 2 submissions from 2 submitters: Uncertain significance (2). Last evaluated 2023-08-16.

Conditions:
Thrombophilia due to protein S deficiency, autosomal dominant (THPH5). Identifiers: Orphanet 26349, Orphanet 743, MedGen C3278211, MONDO:0012868, OMIM 612336. Disease mechanism: loss of function.
Thrombophilia due to protein S deficiency, autosomal recessive (THPH6). Identifiers: Orphanet 743, MedGen C3281092, MONDO:0013791, OMIM 614514. Disease mechanism: loss of function.

Allele frequency attached by ClinVar (database versions not stated): ExAC 0.00001; gnomAD 0.00001; gnomAD exomes 0.00001; TOPMed 0.00002.
gnomAD v4.1: 10 of 1,611,612 alleles (0.00062%); highest among the groups gnomAD compares: Admixed American, 0.0017%; no homozygotes.

Submissions (2):

Labcorp Genetics (formerly Invitae), Labcorp
Classification: Uncertain significance for Thrombophilia due to protein S deficiency, autosomal recessive. Last evaluated: 2023-08-16. Review status: criteria provided, single submitter. Criteria: Invitae Variant Classification Sherloc (09022015). Collection method: clinical testing. Allele origin: germline.
Comment: This sequence change replaces arginine, which is basic and polar, with cysteine, which is neutral and slightly polar, at codon 90 of the PROS1 protein (p.Arg90Cys). This variant is present in population databases (rs765935815, gnomAD 0.003%). This missense change has been observed in individual(s) with protein S deficiency (PMID: 28174134, 30669159, 31068512). Advanced modeling of protein sequence and biophysical properties (such as structural, functional, and spatial information, amino acid conservation, physicochemical variation, residue mobility, and thermodynamic stability) performed at Invitae indicates that this missense variant is not expected to disrupt PROS1 protein function. In summary, the available evidence is currently insufficient to determine the role of this variant in disease. Therefore, it has been classified as a Variant of Uncertain Significance.

Juno Genomics, Hangzhou Juno Genomics, Inc
Classification: Uncertain significance for Thrombophilia due to protein S deficiency, autosomal dominant; Thrombophilia due to protein S deficiency, autosomal recessive. Review status: criteria provided, single submitter. Criteria: ACMG Guidelines, 2015. Collection method: clinical testing. Allele origin: germline. Affected: yes.
Comment: Absent from controls (or at extremely low frequency if recessive) in Genome Aggregation Database, Exome Sequencing Project, 1000 Genomes Project, or Exome Aggregation Consortium.;Multiple lines of computational evidence support a deleterious effect on the gene or gene product (conservation, evolutionary, splicing impact, etc).;The prevalence of the variant in affected individuals is significantly increased compared to the prevalence in controls.;Patient's phenotype or family history is highly specific for a disease with a single genetic etiology.

Literature cited by the submitters: PubMed 28174134 (cited by Labcorp Genetics (formerly Invitae), Labcorp); PubMed 30669159 (cited by Labcorp Genetics (formerly Invitae), Labcorp); PubMed 31068512 (cited by Labcorp Genetics (formerly Invitae), Labcorp).